The following is an entry in ClinVar:

NM_004369.4(COL6A3):c.9461C>T (p.Ser3154Leu)

Genes: COL6A3 (collagen type VI alpha 3 chain; minus strand), LOC126806573 (CDK7 strongly-dependent group 2 enhancer GRCh37_chr2:238233151-238234350; plus strand). Cytogenetic location: 2q37.3.
Variant type: single nucleotide variant.
Coding change: c.9461C>T on transcript NM_004369.4 (MANE Select); coding-DNA position 9461, C replaced by T.
Protein change: p.Ser3154Leu; replaces serine 3154 with leucine.
Molecular consequence: missense variant.
Genome position (GRCh38, 1-based): chr2:237,325,592, G>A on the plus strand (C>T on the coding strand, the complement: COL6A3 is on the minus strand). VCF-style: chr2-237325592-G-A. GRCh37 (hg19) VCF-style: chr2-238234235-G-A.
Other names: c.7640C>T, p.Ser2547Leu (NM_057166.5); c.8843C>T, p.Ser2948Leu (NM_057167.4); short protein forms S2547L, S2948L, S3154L.
Identifiers: ClinVar variation 3676409 (VCV003676409.2).

ClinVar aggregate classification (germline): Uncertain significance (1 of 4 stars; one submission).

Conditions:
Bethlem myopathy 1A. Also called: MYOPATHY, BENIGN CONGENITAL, WITH CONTRACTURES; Bethlem myopathy 1; Bethlem Muscular Dystrophy. Identifiers: Orphanet 610, MedGen CN029274, MONDO:0024530, OMIM 158810.

gnomAD v4.1: 2 of 1,614,126 alleles (0.00012%); highest among the groups gnomAD compares: Non-Finnish European, 0.00017%; no homozygotes.

Submission:

Labcorp Genetics (formerly Invitae), Labcorp
Classification: Uncertain significance for Bethlem myopathy 1A. Last evaluated: 2024-09-03. Review status: criteria provided, single submitter. Criteria: Invitae Variant Classification Sherloc (09022015). Collection method: clinical testing. Allele origin: germline.
Comment: This sequence change replaces serine, which is neutral and polar, with leucine, which is neutral and non-polar, at codon 3154 of the COL6A3 protein (p.Ser3154Leu). This variant is not present in population databases (gnomAD no frequency). This variant has not been reported in the literature in individuals affected with COL6A3-related conditions. Invitae Evidence Modeling of protein sequence and biophysical properties (such as structural, functional, and spatial information, amino acid conservation, physicochemical variation, residue mobility, and thermodynamic stability) indicates that this missense variant is not expected to disrupt COL6A3 protein function with a negative predictive value of 95%. In summary, the available evidence is currently insufficient to determine the role of this variant in disease. Therefore, it has been classified as a Variant of Uncertain Significance.